The following is an entry in ClinVar:

ClinVar aggregate classification (germline): Benign/Likely benign. Review status: criteria provided, multiple submitters, no conflicts (2 of 4 stars). 8 submissions from 6 submitters: Benign (7); Likely benign (1). Last evaluated 2026-02-03.

Conditions:
Neuropathy, hereditary sensory and autonomic, type 2A (HSAN2A). Also called: MORVAN DISEASE; NEUROPATHY, CONGENITAL SENSORY; NEUROPATHY, HEREDITARY SENSORY RADICULAR, AUTOSOMAL RECESSIVE; NEUROPATHY, HEREDITARY SENSORY, TYPE IIA; NEUROPATHY, PROGRESSIVE SENSORY, OF CHILDREN; HSAN IIA. Identifiers: Orphanet 970, MedGen C2752089, MONDO:0024309, OMIM 201300.
Generalized epilepsy with febrile seizures plus, type 7 (GEFSP7). Also called: GEFS+, TYPE 7. Identifiers: Orphanet 36387, MedGen C2751778, MONDO:0013470, OMIM 613863.
Primary erythromelalgia. Also called: SCN9A Erythromelalgia (SCN9A-EM); primary erythermalgia. Identifiers: Orphanet 306577, Orphanet 90026, MedGen C0014805, MONDO:0007571, OMIM 133020.
Channelopathy-associated congenital insensitivity to pain, autosomal recessive. Also called: Insensitivity to pain, channelopathy-associated; ASYMBOLIA FOR PAIN; CONGENITAL ANALGESIA, AUTOSOMAL RECESSIVE. Identifiers: Orphanet 88642, Orphanet 970, MedGen C1855739, MONDO:0009459, OMIM 243000.
Paroxysmal extreme pain disorder (PEXPD). Also called: SCN9A Paroxysmal Extreme Pain Disorder (SCN9A-PEPD); PAIN, SUBMANDIBULAR, OCULAR, AND RECTAL, WITH FLUSHING; RECTAL PAIN, FAMILIAL. Identifiers: Orphanet 46348, MedGen C1833661, MONDO:0008179, OMIM 167400.

Allele frequency attached by ClinVar (database versions not stated): ESP Exome Variant Server 0.00400; TOPMed 0.03164; ExAC 0.04047; gnomAD exomes 0.04864; 1000 Genomes Project 0.04992; 1000 Genomes Project 30x 0.05059.
gnomAD v4.1: 25,633 of 1,612,160 alleles (1.6%); highest among the groups gnomAD compares: Admixed American, 20%; 2,092 homozygotes.

Submissions (8):

Labcorp Genetics (formerly Invitae), Labcorp
Classification: Benign for Neuropathy, hereditary sensory and autonomic, type 2A; Generalized epilepsy with febrile seizures plus, type 7. Last evaluated: 2026-02-03. Review status: criteria provided, single submitter. Criteria: Invitae Variant Classification Sherloc (09022015). Collection method: clinical testing. Allele origin: germline.

Blueprint Genetics
Classification: Likely benign. Last evaluated: 2024-11-26. Review status: criteria provided, single submitter. Criteria: ACMG Guidelines, 2015. Collection method: clinical testing. Allele origin: germline.

Unidad de Genómica Garrahan, Hospital de Pediatría Garrahan
Classification: Benign. Last evaluated: 2024-07-15. Review status: criteria provided, single submitter. Criteria: ACMG Guidelines, 2015. Collection method: clinical testing. Allele origin: germline. Affected: no. Observed: 25 variant alleles.
Comment: This variant is classified as Benign based on local population frequency. This variant was detected in 27% of patients studied in a panel designed for Epileptic and Developmental Encephalopathy and Progressive Myoclonus Epilepsy. Number of patients: 25. Only high quality variants are reported.

Illumina Laboratory Services, Illumina
Classification: Benign for Primary erythromelalgia. Last evaluated: 2018-01-12. Review status: criteria provided, single submitter. Criteria: ICSL Variant Classification Criteria 13 December 2019. Collection method: clinical testing. Allele origin: germline.
Comment: This variant was observed in the ICSL laboratory as part of a predisposition screen in an ostensibly healthy population. It had not been previously curated by ICSL or reported in the Human Gene Mutation Database (HGMD: prior to June 1st, 2018), and was therefore a candidate for classification through an automated scoring system. Utilizing variant allele frequency, disease prevalence and penetrance estimates, and inheritance mode, an automated score was calculated to assess if this variant is too frequent to cause the disease. Based on the score and internal cut-off values, a variant classified as benign is not then subjected to further curation. The score for this variant resulted in a classification of benign for this disease.

Illumina Laboratory Services, Illumina
Classification: Benign for Paroxysmal extreme pain disorder. Last evaluated: 2018-01-12. Review status: criteria provided, single submitter. Criteria: ICSL Variant Classification Criteria 13 December 2019. Collection method: clinical testing. Allele origin: germline.
Comment: the same text as in the submission from Illumina Laboratory Services, Illumina above.

Illumina Laboratory Services, Illumina
Classification: Benign for Channelopathy-associated congenital insensitivity to pain, autosomal recessive. Last evaluated: 2018-01-12. Review status: criteria provided, single submitter. Criteria: ICSL Variant Classification Criteria 13 December 2019. Collection method: clinical testing. Allele origin: germline.
Comment: the same text as in the submission from Illumina Laboratory Services, Illumina above.

PreventionGenetics, part of Exact Sciences
Classification: Benign. Last evaluated: 2016-02-18. Review status: criteria provided, single submitter. Criteria: ACMG Guidelines, 2015. Collection method: clinical testing. Allele origin: germline.

Breakthrough Genomics
Classification: Benign. Review status: criteria provided, single submitter. Criteria: ACMG Guidelines, 2015. Collection method: not provided. Allele origin: germline. Inheritance: Autosomal recessive inheritance. Affected: yes.

NM_001365536.1(SCN9A):c.688+13T>C

Gene: SCN9A (sodium voltage-gated channel alpha subunit 9; minus strand). Cytogenetic location: 2q24.3.
Variant type: single nucleotide variant.
Coding change: c.688+13T>C on transcript NM_001365536.1 (MANE Select); 13 bases into the intron after coding-DNA position 688, T replaced by C.
Molecular consequence: intron variant.
Genome position (GRCh38, 1-based): chr2:166,304,225, A>G on the plus strand (T>C on the coding strand, the complement: SCN9A is on the minus strand). VCF-style: chr2-166304225-A-G. GRCh37 (hg19) VCF-style: chr2-167160735-A-G.
Other names: c.688+13T>C (NM_002977.4).
Identifiers: ClinVar variation 139076 (VCV000139076.18), dbSNP rs74449889, ClinGen allele CA293428.